The following is an entry in ClinVar:

NM_152309.3(PIK3AP1):c.325G>A (p.Glu109Lys)

Gene: PIK3AP1 (phosphoinositide-3-kinase adaptor protein 1; minus strand). Cytogenetic location: 10q24.1.
Variant type: single nucleotide variant.
Coding change: c.325G>A on transcript NM_152309.3 (MANE Select); coding-DNA position 325, G replaced by A.
Protein change: p.Glu109Lys; replaces glutamic acid 109 with lysine.
Molecular consequence: missense variant.
Genome position (GRCh38, 1-based): chr10:96,709,672, C>T on the plus strand (G>A on the coding strand, the complement: PIK3AP1 is on the minus strand). VCF-style: chr10-96709672-C-T. GRCh37 (hg19) VCF-style: chr10-98469429-C-T.
Other names: short protein forms E109K.
Identifiers: ClinVar variation 2734261 (VCV002734261.3), dbSNP rs1844411752, ClinGen allele CA377759365.

ClinVar aggregate classification (germline): Uncertain significance (1 of 4 stars; one submission).

Conditions:
Infantile spasms. Also called: Infantile spasm. Identifiers: MedGen C3887898, HP:0012469.

Allele frequency attached by ClinVar (database versions not stated): gnomAD exomes below 0.00001; TOPMed below 0.00001.
gnomAD v4.1: 7 of 1,614,244 alleles (0.00043%); highest among the groups gnomAD compares: Non-Finnish European, 0.00059%; no homozygotes.

Submission:

Labcorp Genetics (formerly Invitae), Labcorp
Classification: Uncertain significance for Infantile spasms. Last evaluated: 2023-03-21. Review status: criteria provided, single submitter. Criteria: Invitae Variant Classification Sherloc (09022015). Collection method: clinical testing. Allele origin: germline.
Comment: In summary, the available evidence is currently insufficient to determine the role of this variant in disease. Therefore, it has been classified as a Variant of Uncertain Significance. Algorithms developed to predict the effect of missense changes on protein structure and function output the following: SIFT: "Not Available"; PolyPhen-2: "Benign"; Align-GVGD: "Not Available". The lysine amino acid residue is found in multiple mammalian species, which suggests that this missense change does not adversely affect protein function. This variant has not been reported in the literature in individuals affected with PIK3AP1-related conditions. This sequence change replaces glutamic acid, which is acidic and polar, with lysine, which is basic and polar, at codon 109 of the PIK3AP1 protein (p.Glu109Lys). This variant is not present in population databases (gnomAD no frequency).